The following is an entry in ClinVar:

NM_032383.5(HPS3):c.1805A>G (p.Tyr602Cys)

Gene: HPS3 (HPS3 biogenesis of lysosomal organelles complex 2 subunit 1; plus strand). Cytogenetic location: 3q24.
Variant type: single nucleotide variant.
Coding change: c.1805A>G on transcript NM_032383.5 (MANE Select); coding-DNA position 1805, A replaced by G.
Protein change: p.Tyr602Cys; replaces tyrosine 602 with cysteine.
Molecular consequence: missense variant.
Genome position (GRCh38, 1-based): chr3:149,158,779, A>G. VCF-style: chr3-149158779-A-G. GRCh37 (hg19) VCF-style: chr3-148876566-A-G.
Other names: p.Tyr602Cys; c.1805A>G (NM_032383.3); c.1310A>G, p.Tyr437Cys (NM_001308258.2); short protein forms Y602C, Y437C.
Identifiers: ClinVar variation 2149727 (VCV002149727.3), dbSNP rs141973813, ClinGen allele CA2660183.

ClinVar aggregate classification (germline): Uncertain significance. Review status: criteria provided, multiple submitters, no conflicts (2 of 4 stars). 3 submissions from 3 submitters: Uncertain significance (3). Last evaluated 2025-10-27.

Conditions:
Inborn genetic diseases. Identifiers: MedGen C0950123, MeSH D030342.

Allele frequency attached by ClinVar (database versions not stated): gnomAD exomes 0.00002; ESP Exome Variant Server 0.00008; gnomAD 0.00002; TOPMed 0.00002; ExAC 0.00003.
gnomAD v4.1: 31 of 1,610,844 alleles (0.0019%); highest among the groups gnomAD compares: Non-Finnish European, 0.0025%; no homozygotes.

Submissions (3):

Mayo Clinic Laboratories, Mayo Clinic
Classification: Uncertain significance. Last evaluated: 2025-10-27. Review status: criteria provided, single submitter. Criteria: ACMG Guidelines, 2015. Collection method: clinical testing. Allele origin: germline. Observed: 1 variant allele.
Comment: PM2_supporting

Ambry Genetics
Classification: Uncertain significance for Inborn genetic diseases. Last evaluated: 2024-08-10. Review status: criteria provided, single submitter. Criteria: Ambry Variant Classification Scheme 2023. Collection method: clinical testing. Allele origin: germline.

Labcorp Genetics (formerly Invitae), Labcorp
Classification: Uncertain significance. Last evaluated: 2022-05-29. Review status: criteria provided, single submitter. Criteria: Invitae Variant Classification Sherloc (09022015). Collection method: clinical testing. Allele origin: germline.
Comment: This sequence change replaces tyrosine, which is neutral and polar, with cysteine, which is neutral and slightly polar, at codon 602 of the HPS3 protein (p.Tyr602Cys). This variant is present in population databases (rs141973813, gnomAD 0.006%). This variant has not been reported in the literature in individuals affected with HPS3-related conditions. Algorithms developed to predict the effect of missense changes on protein structure and function are either unavailable or do not agree on the potential impact of this missense change (SIFT: "Tolerated"; PolyPhen-2: "Possibly Damaging"; Align-GVGD: "Class C0"). In summary, the available evidence is currently insufficient to determine the role of this variant in disease. Therefore, it has been classified as a Variant of Uncertain Significance.